The following is an entry in ClinVar:

NM_001267550.2(TTN):c.69999del (p.Glu23334fs)

Genes: TTN (titin; minus strand), TTN-AS1 (TTN antisense RNA 1; plus strand), LOC126806422 (BRD4-independent group 4 enhancer GRCh37_chr2:179440205-179441404; plus strand). Cytogenetic location: 2q31.2.
Variant type: Deletion.
Coding change: c.69999del on transcript NM_001267550.2 (MANE Select); coding-DNA position 69999, one base deleted (T; older notation c.69999delT).
Protein change: p.Glu23334fs; shifts the reading frame from glutamic acid 23334.
Molecular consequence: frameshift variant.
Genome position (GRCh38, 1-based): chr2:178,576,133, A deleted on the plus strand (T on the coding strand, the reverse complement: TTN is on the minus strand); the first of 2 consecutive A bases (chr2:178,576,133-178,576,134); deleting either gives the same sequence. VCF-style (leftmost placement, unchanged base first): chr2-178576132-CA-C. GRCh37 (hg19) VCF-style: chr2-179440859-CA-C.
Other names: c.65076del, p.Glu21693fs (NM_001256850.1); c.42804del, p.Glu14269fs (NM_003319.4); c.62295del, p.Glu20766fs (NM_133378.4); c.43179del, p.Glu14394fs (NM_133432.3); c.43380del, p.Glu14461fs (NM_133437.4); c.42804delT (NM_003319.4); short protein forms E20766fs, E14269fs, E21693fs, E23334fs, E14394fs, E14461fs.
Identifiers: ClinVar variation 1739344 (VCV001739344.5), dbSNP rs2468713552, ClinGen allele CA2580064936.
Genomic context (GRCh38, chr2:178,576,132, plus strand): 5'-GTGTTCTTCGAAGCTCGGCATCTAGTTCAAAATCAGGAGCCATCTCCCGTTCTACGATTT[CA>C]ACATCTGGAATCACCGCTGGCTCCCCAACACCTGCATCGTTGATGGCACTGATTCTGAAG-3'

ClinVar aggregate classification (germline): Likely pathogenic. Review status: criteria provided, multiple submitters, no conflicts (2 of 4 stars). 2 submissions from 2 submitters: Likely pathogenic (2). Last evaluated 2024-03-09.

Conditions:
Autosomal recessive limb-girdle muscular dystrophy type 2J (LGMDR10). Also called: MUSCULAR DYSTROPHY, LIMB-GIRDLE, AUTOSOMAL RECESSIVE 10; Limb-girdle muscular dystrophy, type 2J. Identifiers: Orphanet 140922, MedGen C1837342, MONDO:0012127, OMIM 608807.
Dilated cardiomyopathy 1G (CMD1G). Identifiers: Orphanet 154, MedGen C1858763, MONDO:0011400, OMIM 604145.
Cardiovascular phenotype. Identifiers: MedGen CN230736.

Submissions (2):

Labcorp Genetics (formerly Invitae), Labcorp
Classification: Likely pathogenic for Dilated cardiomyopathy 1G; Autosomal recessive limb-girdle muscular dystrophy type 2J. Last evaluated: 2024-03-09. Review status: criteria provided, single submitter. Criteria: Invitae Variant Classification Sherloc (09022015). Collection method: clinical testing. Allele origin: germline.
Comment: This sequence change creates a premature translational stop signal (p.Glu23334Lysfs*3) in the TTN gene. While this is not anticipated to result in nonsense mediated decay, it is expected to create a truncated TTN protein. This variant is not present in population databases (gnomAD no frequency). This variant has not been reported in the literature in individuals affected with TTN-related conditions. ClinVar contains an entry for this variant (Variation ID: 1739344). This variant is located in the A band of TTN (PMID: 25589632). Truncating variants in this region are significantly overrepresented in patients affected with dilated cardiomyopathy (PMID: 25589632). Truncating variants in this region have also been reported in individuals affected with autosomal recessive centronuclear myopathy (PMID: 23975875). In summary, the currently available evidence indicates that the variant is pathogenic, but additional data are needed to prove that conclusively. Therefore, this variant has been classified as Likely Pathogenic.

Ambry Genetics
Classification: Likely pathogenic for Cardiovascular phenotype. Last evaluated: 2019-09-13. Review status: criteria provided, single submitter. Criteria: Ambry Variant Classification Scheme 2023. Collection method: clinical testing. Allele origin: germline.
Comment: The c.42804delT variant, located in coding exon 153 of the TTN gene, results from a deletion of one nucleotide at nucleotide position 42804, causing a translational frameshift with a predicted alternate stop codon (p.E14269Kfs*3). This exon is located in the A-band region of the N2-B isoform of the titin protein and is constitutively expressed in TTN transcripts (percent spliced in or PSI 100%). This alteration is expected to result in loss of function by premature protein truncation or nonsense-mediated mRNA decay. While truncating variants in TTN are present in 1-3% of the general population, truncating variants in the A-band are the most common cause of dilated cardiomyopathy (DCM) (Herman DS et al. N. Engl. J. Med., 2012 Feb;366:619-28; Roberts AM et al. Sci Transl Med, 2015 Jan;7:270ra6). TTN truncating variants encoded in constitutive exons (PSI >90%) have been found to be significantly associated with DCM regardless of their position in titin (Schafer S et al. Nat. Genet., 2017 01;49:46-53). As such, this alteration is classified as likely pathogenic.

Literature cited by the submitters: PubMed 25589632 (cited by Labcorp Genetics (formerly Invitae), Labcorp); PubMed 23975875 (cited by Labcorp Genetics (formerly Invitae), Labcorp).